The following is an entry in ClinVar:

NM_138459.5(NUS1):c.362T>C (p.Val121Ala)

Gene: NUS1 (NUS1 dehydrodolichyl diphosphate synthase subunit; plus strand). Cytogenetic location: 6q22.1.
Variant type: single nucleotide variant.
Coding change: c.362T>C on transcript NM_138459.5 (MANE Select); coding-DNA position 362, T replaced by C.
Protein change: p.Val121Ala; replaces valine 121 with alanine.
Molecular consequence: missense variant.
Genome position (GRCh38, 1-based): chr6:117,676,032, T>C. VCF-style: chr6-117676032-T-C. GRCh37 (hg19) VCF-style: chr6-117997195-T-C.
Other names: short protein forms V121A.
Identifiers: ClinVar variation 3729185 (VCV003729185.2).

ClinVar aggregate classification (germline): Uncertain significance (1 of 4 stars; one submission).

Conditions:
Congenital disorder of glycosylation, type Iaa. Also called: Congenital disorder of glycosylation, type 1aa. Identifiers: MedGen C4310727, MONDO:0014904, OMIM 617082.

Submission:

Labcorp Genetics (formerly Invitae), Labcorp
Classification: Uncertain significance for Congenital disorder of glycosylation, type Iaa. Last evaluated: 2025-01-27. Review status: criteria provided, single submitter. Criteria: Invitae Variant Classification Sherloc (09022015). Collection method: clinical testing. Allele origin: germline.
Comment: This sequence change replaces valine, which is neutral and non-polar, with alanine, which is neutral and non-polar, at codon 121 of the NUS1 protein (p.Val121Ala). This variant is not present in population databases (gnomAD no frequency). This variant has not been reported in the literature in individuals affected with NUS1-related conditions. An algorithm developed to predict the effect of missense changes on protein structure and function (PolyPhen-2) suggests that this variant is likely to be disruptive. In summary, the available evidence is currently insufficient to determine the role of this variant in disease. Therefore, it has been classified as a Variant of Uncertain Significance.